The following is an entry in ClinVar:

NM_000238.4(KCNH2):c.1726delinsTGTTGGCGTG (p.Gln576delinsCysTrpArgGlu)

Gene: KCNH2 (potassium voltage-gated channel subfamily H member 2; minus strand). Cytogenetic location: 7q36.1.
Variant type: Indel.
Coding change: c.1726delinsTGTTGGCGTG on transcript NM_000238.4 (MANE Select); coding-DNA position 1726, C replaced by TGTTGGCGTG.
Protein change: p.Gln576delinsCysTrpArgGlu.
Molecular consequence: inframe indel.
Genome position (GRCh38, 1-based): chr7:150,951,667, G replaced by CACGCCAACA on the plus strand (C replaced by TGTTGGCGTG on the coding strand, the reverse complement: KCNH2 is on the minus strand). VCF-style: chr7-150951667-G-CACGCCAACA. GRCh37 (hg19) VCF-style: chr7-150648755-G-CACGCCAACA.
Other names: c.1726delCinsTGTTGGCGTG, p.Gln576delinsCysTrpArgGlu (NM_000238.3, NM_172056.3); c.706delinsTGTTGGCGTG, p.Gln236delinsCysTrpArgGlu (NM_001204798.2, NM_172057.3); c.1438delCinsTGTTGGCGTG, p.Gln480delinsCysTrpArgGlu (NM_001406753.1, NM_001406756.1); c.1549delCinsTGTTGGCGTG, p.Gln517delinsCysTrpArgGlu (NM_001406755.1); c.1426delCinsTGTTGGCGTG, p.Gln476delinsCysTrpArgGlu (NM_001406757.1).
Identifiers: ClinVar variation 656275 (VCV000656275.3), dbSNP rs1584854227, ClinGen allele CA915945576.

ClinVar aggregate classification (germline): Uncertain significance (1 of 4 stars; one submission).

Conditions:
Long QT syndrome (LQTS). Identifiers: MedGen C0023976, MeSH D008133, MONDO:0002442. Disease mechanism: loss of function. Inheritance: Various modes of inheritance.

Submission:

Labcorp Genetics (formerly Invitae), Labcorp
Classification: Uncertain significance for Long QT syndrome. Last evaluated: 2018-11-29. Review status: criteria provided, single submitter. Criteria: Invitae Variant Classification Sherloc (09022015). Collection method: clinical testing. Allele origin: germline.
Comment: This variant, c.1726delinsTGTTGGCGTG, results in the deletion of 1 amino acid(s) and in the insertion of 4 amino acid(s) to the KCNH2 protein (p.Gln576delinsCysTrpArgGlu), but otherwise preserves the integrity of the reading frame. This variant is not present in population databases (ExAC no frequency). This variant has not been reported in the literature in individuals with KCNH2-related disease. Experimental studies and prediction algorithms are not available for this variant, and the functional significance of the affected amino acid(s) is currently unknown. In summary, the available evidence is currently insufficient to determine the role of this variant in disease. Therefore, it has been classified as a Variant of Uncertain Significance.